The following is an entry in ClinVar:

ClinVar aggregate classification (germline): Uncertain significance (1 of 4 stars; one submission).

Submission:

Ambry Genetics
Classification: Uncertain significance. Last evaluated: 2025-07-16. Review status: criteria provided, single submitter. Criteria: Ambry Variant Classification Scheme 2023. Collection method: clinical testing. Allele origin: germline.
Comment: The p.F383S variant (also known as c.1148T>C), located in coding exon 8 of the ATRIP gene, results from a T to C substitution at nucleotide position 1148. The phenylalanine at codon 383 is replaced by serine, an amino acid with highly dissimilar properties. This amino acid position is conserved. In addition, this alteration is predicted to be tolerated by in silico analysis. Based on the available evidence, the clinical significance of this variant remains unclear.

NM_130384.3(ATRIP):c.1148T>C (p.Phe383Ser)

Genes: ATRIP (ATR interacting protein; plus strand), ATRIP-TREX1 (ATRIP-TREX1 readthrough; plus strand). Cytogenetic location: 3p21.31.
Variant type: single nucleotide variant.
Coding change: c.1148T>C on transcript NM_130384.3 (MANE Select); coding-DNA position 1148, T replaced by C.
Protein change: p.Phe383Ser; replaces phenylalanine 383 with serine.
Molecular consequence: missense variant. On other transcripts: non-coding transcript variant (1).
Genome position (GRCh38, 1-based): chr3:48,460,202, T>C. VCF-style: chr3-48460202-T-C. GRCh37 (hg19) VCF-style: chr3-48501601-T-C.
Other names: c.767T>C, p.Phe256Ser (NM_001271022.2); c.869T>C, p.Phe290Ser (NM_001271023.2); c.1148T>C, p.Phe383Ser (NM_032166.4); short protein forms F256S, F290S, F383S.
Identifiers: ClinVar variation 4182154 (VCV004182154.1).